The following is an entry in ClinVar:

ClinVar aggregate classification (germline): Likely pathogenic (1 of 4 stars; one submission).

Conditions:
Spermatogenic failure 33. Identifiers: MedGen C4748395, MONDO:0029147, OMIM 618152.

Submission:

Juno Genomics, Hangzhou Juno Genomics, Inc
Classification: Likely pathogenic for Spermatogenic failure 33. Review status: criteria provided, single submitter. Criteria: ACMG Guidelines, 2015. Collection method: clinical testing. Allele origin: germline. Affected: yes.
Comment: Absent from controls (or at extremely low frequency if recessive) in Genome Aggregation Database.;Null variant in a gene where loss of function (LOF) is a known mechanism of disease.

NM_144668.6(CFAP251):c.2388del (p.Thr797fs)

Gene: CFAP251 (cilia and flagella associated protein 251; plus strand). Cytogenetic location: 12q24.31.
Variant type: Deletion.
Coding change: c.2388del on transcript NM_144668.6 (MANE Select); coding-DNA position 2388, one base deleted (C; older notation c.2388delC).
Protein change: p.Thr797fs; shifts the reading frame from threonine 797.
Molecular consequence: frameshift variant.
Genome position (GRCh38, 1-based): chr12:121,962,058, C deleted; the last of 3 consecutive C bases (chr12:121,962,056-121,962,058); deleting any one gives the same sequence. VCF-style (leftmost placement, unchanged base first): chr12-121962055-TC-T. GRCh37 (hg19) VCF-style: chr12-122399961-TC-T.
Other names: c.2388del, p.Thr797fs (NM_001178003.2); short protein forms T797fs.
Identifiers: ClinVar variation 5018520 (VCV005018520.1).